The following is an entry in ClinVar:

NM_000069.3(CACNA1S):c.29G>A (p.Gly10Asp)

Gene: CACNA1S (calcium voltage-gated channel subunit alpha1 S; minus strand). Cytogenetic location: 1q32.1.
Variant type: single nucleotide variant.
Coding change: c.29G>A on transcript NM_000069.3 (MANE Select); coding-DNA position 29, G replaced by A.
Protein change: p.Gly10Asp; replaces glycine 10 with aspartic acid.
Molecular consequence: missense variant.
Genome position (GRCh38, 1-based): chr1:201,112,311, C>T on the plus strand (G>A on the coding strand, the complement: CACNA1S is on the minus strand). VCF-style: chr1-201112311-C-T. GRCh37 (hg19) VCF-style: chr1-201081439-C-T.
Other names: short protein forms G10D.
Identifiers: ClinVar variation 1420158 (VCV001420158.8), dbSNP rs1663157502, ClinGen allele CA344158691.

ClinVar aggregate classification (germline): Uncertain significance (1 of 4 stars; one submission).

Conditions:
Hypokalemic periodic paralysis, type 1. Also called: HypoPP; Hypokalemic Periodic Paralysis Type 1 (AD). Identifiers: Orphanet 681, MedGen C3714580, MONDO:0042979, OMIM 170400.
Malignant hyperthermia, susceptibility to, 5 (MHS5). Also called: CACNA1S-Related Malignant Hyperthermia Susceptibility. Identifiers: Orphanet 423, MedGen C1866077, MONDO:0011163, OMIM 601887.

Allele frequency attached by ClinVar (database versions not stated): TOPMed below 0.00001.
gnomAD v4.1: 3 of 1,613,990 alleles (0.00019%); highest among the groups gnomAD compares: Non-Finnish European, 0.00017%; no homozygotes.

Submission:

Labcorp Genetics (formerly Invitae), Labcorp
Classification: Uncertain significance for Hypokalemic periodic paralysis, type 1; Malignant hyperthermia, susceptibility to, 5. Last evaluated: 2022-01-14. Review status: criteria provided, single submitter. Criteria: Invitae Variant Classification Sherloc (09022015). Collection method: clinical testing. Allele origin: germline.
Comment: This sequence change replaces glycine, which is neutral and non-polar, with aspartic acid, which is acidic and polar, at codon 10 of the CACNA1S protein (p.Gly10Asp). This variant is not present in population databases (gnomAD no frequency). This variant has not been reported in the literature in individuals affected with CACNA1S-related conditions. Advanced modeling of protein sequence and biophysical properties (such as structural, functional, and spatial information, amino acid conservation, physicochemical variation, residue mobility, and thermodynamic stability) performed at Invitae indicates that this missense variant is not expected to disrupt CACNA1S protein function. In summary, the available evidence is currently insufficient to determine the role of this variant in disease. Therefore, it has been classified as a Variant of Uncertain Significance.